The following is an entry in ClinVar:

NM_000268.4(NF2):c.1128G>C (p.Arg376=)

Gene: NF2 (NF2, moesin-ezrin-radixin like (MERLIN) tumor suppressor; plus strand). Cytogenetic location: 22q12.2.
Variant type: single nucleotide variant.
Coding change: c.1128G>C on transcript NM_000268.4 (MANE Select); coding-DNA position 1128, G replaced by C.
Protein change: p.Arg376=; no amino-acid change (arginine 376 retained).
Molecular consequence: synonymous variant. On other transcripts: non-coding transcript variant (1), intron variant (1).
Genome position (GRCh38, 1-based): chr22:29,673,274, G>C. VCF-style: chr22-29673274-G-C. GRCh37 (hg19) VCF-style: chr22-30069263-G-C.
Other names: c.1128G>C, p.Arg376= (NM_016418.5, NM_181825.3, NM_181832.3); c.1002G>C, p.Arg334= (NM_181828.3); c.1005G>C, p.Arg335= (NM_181829.3); c.879G>C, p.Arg293= (NM_181830.3, NM_181831.3); c.448-21478G>C (NM_181833.3).
Identifiers: ClinVar variation 457890 (VCV000457890.40), dbSNP rs757322524, ClinGen allele CA037030.

ClinVar aggregate classification (germline): Likely benign. Review status: criteria provided, multiple submitters, no conflicts (2 of 4 stars). 5 submissions from 5 submitters: Likely benign (5). Last evaluated 2025-10-29.

Conditions:
Hereditary cancer-predisposing syndrome. Also called: Hereditary neoplastic syndrome; Neoplastic Syndromes, Hereditary; Hereditary Cancer Syndrome; Tumor predisposition. Identifiers: Orphanet 140162, MedGen C0027672, MeSH D009386, MONDO:0015356.
Neurofibromatosis, type 2 (SWNV). Also called: SCHWANNOMATOSIS, VESTIBULAR; NF2-Related Schwannomatosis; BILATERAL ACOUSTIC NEUROFIBROMATOSIS. Identifiers: Orphanet 637, MedGen C0027832, MONDO:0007039, OMIM 101000. Disease mechanism: loss of function.

Allele frequency attached by ClinVar (database versions not stated): gnomAD exomes 0.00001; TOPMed 0.00001; ExAC 0.00004.

Submissions (5):

Labcorp Genetics (formerly Invitae), Labcorp
Classification: Likely benign for Neurofibromatosis, type 2. Last evaluated: 2025-10-29. Review status: criteria provided, single submitter. Criteria: Invitae Variant Classification Sherloc (09022015). Collection method: clinical testing. Allele origin: germline.

Color Diagnostics, LLC DBA Color Health
Classification: Likely benign for Neurofibromatosis, type 2. Last evaluated: 2025-09-01. Review status: criteria provided, single submitter. Criteria: ACMG Guidelines, 2015. Collection method: clinical testing. Allele origin: germline.

Blueprint Genetics
Classification: Likely benign. Last evaluated: 2024-01-30. Review status: criteria provided, single submitter. Criteria: ACMG Guidelines, 2015. Collection method: clinical testing. Allele origin: germline.

CeGaT Center for Human Genetics Tuebingen
Classification: Likely benign. Last evaluated: 2022-08-01. Review status: criteria provided, single submitter. Criteria: CeGaT Center For Human Genetics Tuebingen Variant Classification Criteria Version 2. Collection method: clinical testing. Allele origin: germline. Affected: yes. Observed: 1 variant allele.
Comment: NF2: BP4, BP7

Ambry Genetics
Classification: Likely benign for Hereditary cancer-predisposing syndrome. Last evaluated: 2017-09-13. Review status: criteria provided, single submitter. Criteria: Ambry Variant Classification Scheme 2023. Collection method: clinical testing. Allele origin: germline.